The following is an entry in ClinVar:

ClinVar aggregate classification (germline): Uncertain significance. Review status: criteria provided, multiple submitters, no conflicts (2 of 4 stars). 2 submissions from 2 submitters: Uncertain significance (2). Last evaluated 2024-12-14.

Conditions:
RASopathy. Also called: Noonan spectrum disorder; rasopathies. Identifiers: Orphanet 536391, MedGen C5555857, MONDO:0021060.
Cardiovascular phenotype. Identifiers: MedGen CN230736.

gnomAD v4.1: 1 of 1,613,716 alleles (0.000062%); no homozygotes.

Submissions (2):

Ambry Genetics
Classification: Uncertain significance for Cardiovascular phenotype. Last evaluated: 2024-12-14. Review status: criteria provided, single submitter. Criteria: Ambry Variant Classification Scheme 2023. Collection method: clinical testing. Allele origin: germline.
Comment: The p.T195I variant (also known as c.584C>T), located in coding exon 1 of the SHOC2 gene, results from a C to T substitution at nucleotide position 584. The threonine at codon 195 is replaced by isoleucine, an amino acid with similar properties. This amino acid position is conserved. In addition, this alteration is predicted to be tolerated by in silico analysis. Based on the available evidence, the clinical significance of this variant remains unclear.

Labcorp Genetics (formerly Invitae), Labcorp
Classification: Uncertain significance for RASopathy. Last evaluated: 2024-10-02. Review status: criteria provided, single submitter. Criteria: Invitae Variant Classification Sherloc (09022015). Collection method: clinical testing. Allele origin: germline.
Comment: This sequence change replaces threonine, which is neutral and polar, with isoleucine, which is neutral and non-polar, at codon 195 of the SHOC2 protein (p.Thr195Ile). This variant is not present in population databases (gnomAD no frequency). This variant has not been reported in the literature in individuals affected with SHOC2-related conditions. Invitae Evidence Modeling of protein sequence and biophysical properties (such as structural, functional, and spatial information, amino acid conservation, physicochemical variation, residue mobility, and thermodynamic stability) indicates that this missense variant is not expected to disrupt SHOC2 protein function with a negative predictive value of 80%. In summary, the available evidence is currently insufficient to determine the role of this variant in disease. Therefore, it has been classified as a Variant of Uncertain Significance.

NM_007373.4(SHOC2):c.584C>T (p.Thr195Ile)

Gene: SHOC2 (SHOC2 leucine rich repeat scaffold protein; plus strand). Cytogenetic location: 10q25.2.
Variant type: single nucleotide variant.
Coding change: c.584C>T on transcript NM_007373.4 (MANE Select); coding-DNA position 584, C replaced by T.
Protein change: p.Thr195Ile; replaces threonine 195 with isoleucine.
Molecular consequence: missense variant.
Genome position (GRCh38, 1-based): chr10:110,964,942, C>T. VCF-style: chr10-110964942-C-T. GRCh37 (hg19) VCF-style: chr10-112724700-C-T.
Other names: c.584C>T, p.Thr195Ile (NM_001269039.3, NM_001324336.2, NM_001324337.2); short protein forms T195I.
Identifiers: ClinVar variation 2906236 (VCV002906236.4), dbSNP rs779784191, ClinGen allele CA378386171.